The following is an entry in ClinVar:

ClinVar aggregate classification (germline): Uncertain significance (1 of 4 stars; one submission).

Conditions:
Neurofibromatosis, type 2 (SWNV). Also called: SCHWANNOMATOSIS, VESTIBULAR; BILATERAL ACOUSTIC NEUROFIBROMATOSIS; NF2-Related Schwannomatosis. Identifiers: Orphanet 637, MedGen C0027832, MONDO:0007039, OMIM 101000. Disease mechanism: loss of function.

Submission:

Labcorp Genetics (formerly Invitae), Labcorp
Classification: Uncertain significance for Neurofibromatosis, type 2. Last evaluated: 2023-09-26. Review status: criteria provided, single submitter. Criteria: Invitae Variant Classification Sherloc (09022015). Collection method: clinical testing. Allele origin: germline.
Comment: In summary, the available evidence is currently insufficient to determine the role of this variant in disease. Therefore, it has been classified as a Variant of Uncertain Significance. This sequence change replaces glutamic acid, which is acidic and polar, with lysine, which is basic and polar, at codon 555 of the NF2 protein (p.Glu555Lys). This variant is not present in population databases (gnomAD no frequency). This variant has not been reported in the literature in individuals affected with NF2-related conditions. Advanced modeling of protein sequence and biophysical properties (such as structural, functional, and spatial information, amino acid conservation, physicochemical variation, residue mobility, and thermodynamic stability) performed at Invitae indicates that this missense variant is not expected to disrupt NF2 protein function.

NM_000268.4(NF2):c.1663G>A (p.Glu555Lys)

Gene: NF2 (NF2, moesin-ezrin-radixin like (MERLIN) tumor suppressor; plus strand). Cytogenetic location: 22q12.2.
Variant type: single nucleotide variant.
Coding change: c.1663G>A on transcript NM_000268.4 (MANE Select); coding-DNA position 1663, G replaced by A.
Protein change: p.Glu555Lys; replaces glutamic acid 555 with lysine.
Molecular consequence: missense variant. On other transcripts: intron variant (3).
Genome position (GRCh38, 1-based): chr22:29,681,527, G>A. VCF-style: chr22-29681527-G-A. GRCh37 (hg19) VCF-style: chr22-30077516-G-A.
Other names: c.1549G>A, p.Glu517Lys (NM_001407053.1, NM_001407056.1); c.1540G>A, p.Glu514Lys (NM_001407054.1, NM_001407058.1, NM_181829.3); c.1537G>A, p.Glu513Lys (NM_001407055.1, NM_181828.3); c.1528G>A, p.Glu510Lys (NM_001407057.1, NM_001407059.1); c.1405G>A, p.Glu469Lys (NM_001407062.1); c.1414G>A, p.Glu472Lys (NM_001407063.1, NM_181830.3, NM_181831.3); c.1129G>A, p.Glu377Lys (NM_001407065.1); c.1663G>A, p.Glu555Lys (NM_001407066.1, NM_016418.5, NM_181825.3 and 1 more transcripts); and 4 more; short protein forms E377K, E514K, E555K, E472K, E469K, E478K, E510K, E513K.
Identifiers: ClinVar variation 2763380 (VCV002763380.3), dbSNP rs2518735368, ClinGen allele CA411150245.